The following is an entry in ClinVar:

NM_001127178.3(PIGG):c.1370T>C (p.Leu457Pro)

Gene: PIGG (phosphatidylinositol glycan anchor biosynthesis class G (EMM blood group); plus strand). Cytogenetic location: 4p16.3.
Variant type: single nucleotide variant.
Coding change: c.1370T>C on transcript NM_001127178.3 (MANE Select); coding-DNA position 1370, T replaced by C.
Protein change: p.Leu457Pro; replaces leucine 457 with proline.
Molecular consequence: missense variant. On other transcripts: synonymous variant (1), 5 prime UTR variant (2), non-coding transcript variant (10).
Genome position (GRCh38, 1-based): chr4:521,697, T>C. VCF-style: chr4-521697-T-C. GRCh37 (hg19) VCF-style: chr4-515486-T-C.
Other names: c.1103T>C, p.Leu368Pro (NM_001289051.2, NM_001289053.2, NM_001345986.2); c.971T>C, p.Leu324Pro (NM_001289052.2); c.958T>C, p.Cys320Arg (NM_001289055.2); c.885T>C, p.Thr295= (NM_001289057.2); c.1079T>C, p.Leu360Pro (NM_001345987.2); c.341T>C, p.Leu114Pro (NM_001345988.2); c.1370T>C, p.Leu457Pro (NM_001345989.2); c.-164T>C (NM_001345990.2, NM_001345991.2); and 2 more; short protein forms L457P, L114P, L449P, C320R, L91P, L324P, L360P, L368P.
Identifiers: ClinVar variation 572574 (VCV000572574.12), dbSNP rs757348373, ClinGen allele CA2793297.

ClinVar aggregate classification (germline): Uncertain significance. Review status: criteria provided, multiple submitters, no conflicts (2 of 4 stars). 2 submissions from 2 submitters: Uncertain significance (2). Last evaluated 2025-05-27.

Conditions:
Intellectual disability, autosomal recessive 53 (NEDHSCA). Also called: NEURODEVELOPMENTAL DISORDER WITH OR WITHOUT HYPOTONIA, SEIZURES, AND CEREBELLAR ATROPHY; GLYCOSYLPHOSPHATIDYLINOSITOL BIOSYNTHESIS DEFECT 13; Mental retardation, autosomal recessive 53. Identifiers: Orphanet 488635, MedGen C4310794, MONDO:0014832, OMIM 616917.

Allele frequency attached by ClinVar (database versions not stated): ExAC 0.00001; gnomAD 0.00001; TOPMed 0.00001; gnomAD exomes 0.00002 and 0.00003.
gnomAD v4.1: 41 of 1,614,204 alleles (0.0025%); highest among the groups gnomAD compares: Non-Finnish European, 0.0032%; no homozygotes.

Submissions (2):

GeneDx
Classification: Uncertain significance. Last evaluated: 2025-05-27. Review status: criteria provided, single submitter. Criteria: GeneDx Variant Classification Process June 2021. Collection method: clinical testing. Allele origin: germline. Affected: yes.
Comment: Not observed at significant frequency in large population cohorts (gnomAD); In silico analysis supports that this missense variant has a deleterious effect on protein structure/function; Has not been previously published as pathogenic or benign to our knowledge

Labcorp Genetics (formerly Invitae), Labcorp
Classification: Uncertain significance for Intellectual disability, autosomal recessive 53. Last evaluated: 2023-10-12. Review status: criteria provided, single submitter. Criteria: Invitae Variant Classification Sherloc (09022015). Collection method: clinical testing. Allele origin: germline.
Comment: This sequence change replaces leucine, which is neutral and non-polar, with proline, which is neutral and non-polar, at codon 457 of the PIGG protein (p.Leu457Pro). This variant is present in population databases (rs757348373, gnomAD 0.003%). This variant has not been reported in the literature in individuals affected with PIGG-related conditions. ClinVar contains an entry for this variant (Variation ID: 572574). Advanced modeling of protein sequence and biophysical properties (such as structural, functional, and spatial information, amino acid conservation, physicochemical variation, residue mobility, and thermodynamic stability) performed at Invitae indicates that this missense variant is not expected to disrupt PIGG protein function. In summary, the available evidence is currently insufficient to determine the role of this variant in disease. Therefore, it has been classified as a Variant of Uncertain Significance.